The following is an entry in ClinVar:

NM_000526.5(KRT14):c.815T>C (p.Met272Thr)

Gene: KRT14 (keratin 14; minus strand). Cytogenetic location: 17q21.2.
Variant type: single nucleotide variant.
Coding change: c.815T>C on transcript NM_000526.5 (MANE Select); coding-DNA position 815, T replaced by C.
Protein change: p.Met272Thr; replaces methionine 272 with threonine.
Molecular consequence: missense variant.
Genome position (GRCh38, 1-based): chr17:41,583,872, A>G on the plus strand (T>C on the coding strand, the complement: KRT14 is on the minus strand). VCF-style: chr17-41583872-A-G. GRCh37 (hg19) VCF-style: chr17-39740124-A-G.
Other names: short protein forms M272T.
Identifiers: ClinVar variation 66378 (VCV000066378.43), dbSNP rs61371557, ClinGen allele CA216980.
Genomic context (GRCh38, chr17:41,583,872, plus strand): 5'-TCATACTGGTCACGCATCTCGTTCAGAATGCGGCTCAGGTCCACGCCAGGTGCAGCGTCC[A>G]TCTCCACATTGACATCTCCACCCACCTGGCCTCTCAGGGCATTCATCTCCTGCACAGCCA-3'
Protein context (NP_000517.3, residues 262-282): GQVGGDVNVE[Met272Thr]DAAPGVDLSR

ClinVar aggregate classification (germline): Pathogenic. Review status: criteria provided, multiple submitters, no conflicts (2 of 4 stars). 5 submissions from 5 submitters: Pathogenic (4). 1 of the submissions does not count toward it. Last evaluated 2025-05-10.

Conditions:
Epidermolysis bullosa simplex. Also called: Epidermolysis bullosa simplex, Weber-Cockayne type (subtype); Epidermolysis bullosa simplex, Dowling-Meara type (subtype); Epidermolysis bullosa simplex with mottled pigmentation (subtype). Identifiers: Orphanet 304, MedGen C0079298, MONDO:0017610.
Epidermolysis bullosa simplex 1D, generalized, intermediate or severe, autosomal recessive. Identifiers: Orphanet 89838, MedGen C3715082, MONDO:0010976, OMIM 601001.

Submissions (5):

GeneDx
Classification: Pathogenic. Last evaluated: 2025-05-10. Review status: criteria provided, single submitter. Criteria: GeneDx Variant Classification Process June 2021. Collection method: clinical testing. Allele origin: germline. Affected: yes.
Comment: Not observed at significant frequency in large population cohorts (gnomAD); In silico analysis supports that this missense variant has a deleterious effect on protein structure/function; This variant is associated with the following publications: (PMID: 17039244, 16156024, 29242947, 36430820, 24024749, 26432462, 20199538, 16786515)

Institute of Human Genetics, University of Leipzig Medical Center
Classification: Pathogenic for Epidermolysis bullosa simplex 1D, generalized, intermediate or severe, autosomal recessive. Last evaluated: 2025-03-24. Review status: criteria provided, single submitter. Criteria: ACMG Guidelines, 2015. Collection method: clinical testing. Allele origin: unknown. Inheritance: Autosomal dominant inheritance. Affected: yes.
Comment: Criteria applied: PM5_STR,PS4_MOD,PM2,PM1_SUP,PP3

CeGaT Center for Human Genetics Tuebingen
Classification: Pathogenic. Last evaluated: 2024-05-01. Review status: criteria provided, single submitter. Criteria: CeGaT Center For Human Genetics Tuebingen Variant Classification Criteria Version 2. Collection method: clinical testing. Allele origin: germline. Affected: yes. Observed: 2 variant alleles.
Comment: KRT14: PM1, PM2, PM5, PP1:Moderate, PS4:Moderate

Molecular Genetics, Royal Melbourne Hospital
Classification: Pathogenic for Epidermolysis bullosa simplex. Last evaluated: 2023-05-05. Review status: criteria provided, single submitter. Criteria: ACMG Guidelines, 2015. Collection method: clinical testing. Allele origin: germline. Affected: yes.
Comment: This sequence change in KRT14 is predicted to replace methionine with threonine at codon 272, p.(Met272Thr). The methionine residue is moderately conserved (100 vertebrates, UCSC), and is located in the L12 rod domain. There is a moderate physicochemical difference between methionine and threonine. This variant is absent from the population database gnomAD v2.1 and v3.1. This variant has been reported in at least seven probands with an immunohistochemical diagnosis of epidermolysis bullosa simplex (EBS) and as a de novo occurrence with unconfirmed parental relationships in one individual with EBS (PMID: 16786515, 20199538, 26432462, 29242947). Computational evidence predicts a deleterious effect for the missense substitution (REVEL = 0.877). Another missense variant c.815T>G, p.(Met272Arg) in the same codon with similar physicochemical properties to the variant under assessment has been classified as likely pathogenic for EBS (PMID: 7682883, 21375516). Based on the classification scheme RMH Modified ACMG/AMP Guidelines v1.6.1, this variant is classified as PATHOGENIC. Following criteria are met: PS4, PM5, PM6, PM2_Supporting, PP3.

Epithelial Biology;  Institute of Medical Biology, Singapore
No classification provided. Review status: no classification provided. Collection method: not provided. Allele origin: not provided. Not counted in ClinVar's aggregate classification.

Literature cited by the submitters: PubMed 7682883 (cited by Molecular Genetics, Royal Melbourne Hospital); PubMed 16786515 (cited by Molecular Genetics, Royal Melbourne Hospital); PubMed 20199538 (cited by Molecular Genetics, Royal Melbourne Hospital); PubMed 21375516 (cited by Molecular Genetics, Royal Melbourne Hospital); PubMed 26432462 (cited by Molecular Genetics, Royal Melbourne Hospital); PubMed 29242947 (cited by Molecular Genetics, Royal Melbourne Hospital).